The following is an entry in ClinVar:

ClinVar aggregate classification (germline): Uncertain significance (1 of 4 stars; one submission).

Conditions:
Dilated cardiomyopathy 1Z (CMD1Z). Identifiers: Orphanet 154, MedGen C2678475, MONDO:0012745, OMIM 611879.

Submission:

Neuberg Centre For Genomic Medicine, NCGM
Classification: Uncertain significance for Dilated cardiomyopathy 1Z. Review status: criteria provided, single submitter. Criteria: ACMG Guidelines, 2015. Collection method: clinical testing. Allele origin: germline. Inheritance: Autosomal dominant inheritance. Affected: yes.
Comment: The missense variant c.184G>T(p.Asp62Tyr) in TNNC1 gene has not been reported previously as a pathogenic variant nor as a benign variant, to our knowledge. Another missense variant affecting the same residue Asp62Asn has been previously submitted to ClinVar as VUS, however no details are available for independent assessment. The p.Asp62Tyr variant is novel (not in any individuals) in gnomAD Exomes and 1000 Genomes. The amino acid Asp at position 62 is changed to a Tyr changing protein sequence and it might alter its composition and physico-chemical properties. For these reasons, this variant has been classified as Uncertain Significance.

NM_003280.3(TNNC1):c.184G>T (p.Asp62Tyr)

Gene: TNNC1 (troponin C1, slow skeletal and cardiac type; minus strand). Cytogenetic location: 3p21.1.
Variant type: single nucleotide variant.
Coding change: c.184G>T on transcript NM_003280.3 (MANE Select); coding-DNA position 184, G replaced by T.
Protein change: p.Asp62Tyr; replaces aspartic acid 62 with tyrosine.
Molecular consequence: missense variant.
Genome position (GRCh38, 1-based): chr3:52,452,124, C>A on the plus strand (G>T on the coding strand, the complement: TNNC1 is on the minus strand). VCF-style: chr3-52452124-C-A. GRCh37 (hg19) VCF-style: chr3-52486140-C-A.
Other names: short protein forms D62Y.
Identifiers: ClinVar variation 2585564 (VCV002585564.1), dbSNP rs1040079072, ClinGen allele CA353168132.